The following is an entry in ClinVar:

ClinVar aggregate classification (germline): Benign/Likely benign. Review status: criteria provided, multiple submitters, no conflicts (2 of 4 stars). 7 submissions from 7 submitters: Benign (2); Likely benign (4). 1 of the submissions does not count toward it. Last evaluated 2026-01-26.

Conditions:
TSC2-related disorder. Also called: TSC2-related condition; TSC2-Related Disorders.
Tuberous sclerosis 2 (TSC2). Identifiers: Orphanet 805, MedGen C1860707, MONDO:0013199, OMIM 613254.
Hereditary cancer-predisposing syndrome. Also called: Hereditary neoplastic syndrome; Neoplastic Syndromes, Hereditary; Tumor predisposition; Hereditary Cancer Syndrome. Identifiers: Orphanet 140162, MedGen C0027672, MeSH D009386, MONDO:0015356.
Tuberous sclerosis syndrome (TSC). Also called: Tuberous Sclerosis Complex; Tuberous sclerosis. Identifiers: Orphanet 805, MedGen C0041341, MONDO:0001734.

Allele frequency attached by ClinVar (database versions not stated): gnomAD exomes below 0.00001; TOPMed below 0.00001; ExAC 0.00001.
gnomAD v4.1: 7 of 1,612,580 alleles (0.00043%); highest among the groups gnomAD compares: Non-Finnish European, 0.00059%; no homozygotes.

Submissions (7):

Labcorp Genetics (formerly Invitae), Labcorp
Classification: Likely benign for Tuberous sclerosis 2. Last evaluated: 2026-01-26. Review status: criteria provided, single submitter. Criteria: Invitae Variant Classification Sherloc (09022015). Collection method: clinical testing. Allele origin: germline.

Color Diagnostics, LLC DBA Color Health
Classification: Likely benign for Tuberous sclerosis syndrome. Last evaluated: 2025-06-30. Review status: criteria provided, single submitter. Criteria: ACMG Guidelines, 2015. Collection method: clinical testing. Allele origin: germline.

Myriad Genetics, Inc.
Classification: Benign for Tuberous sclerosis 2. Last evaluated: 2025-05-13. Review status: criteria provided, single submitter. Criteria: Myriad Autosomal Dominant, Autosomal Recessive and X-Linked Classification Criteria (2023). Collection method: clinical testing. Allele origin: unknown.
Comment: This variant is considered benign. This variant is a silent/synonymous amino acid change and it is not expected to impact splicing.

Genome-Nilou Lab
Classification: Benign for Tuberous sclerosis 2. Last evaluated: 2021-11-07. Review status: criteria provided, single submitter. Criteria: ACMG Guidelines, 2015. Collection method: clinical testing. Allele origin: germline. Affected: no.

Ambry Genetics
Classification: Likely benign for Hereditary cancer-predisposing syndrome. Last evaluated: 2019-03-19. Review status: criteria provided, single submitter. Criteria: Ambry Variant Classification Scheme 2023. Collection method: clinical testing. Allele origin: germline.

GeneDx
Classification: Likely benign. Last evaluated: 2018-09-18. Review status: criteria provided, single submitter. Criteria: GeneDx Variant Classification Process June 2021. Collection method: clinical testing. Allele origin: germline. Affected: yes.
Comment: See Variant Classification Assertion Criteria.

PreventionGenetics, part of Exact Sciences
Classification: Likely benign for TSC2-related condition. Last evaluated: 2024-01-02. Review status: no assertion criteria provided. Collection method: clinical testing. Allele origin: germline. Not counted in ClinVar's aggregate classification.
Comment: This variant is classified as likely benign based on ACMG/AMP sequence variant interpretation guidelines (Richards et al. 2015 PMID: 25741868, with internal and published modifications).

NM_000548.5(TSC2):c.1311C>A (p.Ala437=)

Gene: TSC2 (TSC complex subunit 2; plus strand). Cytogenetic location: 16p13.3.
Variant type: single nucleotide variant.
Coding change: c.1311C>A on transcript NM_000548.5 (MANE Select); coding-DNA position 1311, C replaced by A.
Protein change: p.Ala437=; no amino-acid change (alanine 437 retained).
Molecular consequence: synonymous variant.
Genome position (GRCh38, 1-based): chr16:2,062,550, C>A. VCF-style: chr16-2062550-C-A. GRCh37 (hg19) VCF-style: chr16-2112551-C-A.
Other names: c.1311C>A, p.Ala437= (NM_001077183.3, NM_001114382.3, NM_001363528.2 and 3 more transcripts); c.1200C>A, p.Ala400= (NM_001318827.2); c.1164C>A, p.Ala388= (NM_001318829.2); c.711C>A, p.Ala237= (NM_001318831.2); c.1344C>A, p.Ala448= (NM_001318832.2); c.1311C>A (NM_000548.4).
Identifiers: ClinVar variation 467859 (VCV000467859.21), dbSNP rs752435039, ClinGen allele CA029326.
Genomic context (GRCh38, chr16:2,062,550, plus strand): 5'-TTGACAGGAGTCCTCCCTCCTGAACCTGATCTCCTATAGAGCGCAGTCCATCCACCCGGC[C>A]AAGGACGGCTGGATTCAGAACCTGCAGGCGCTGATGGAGAGATTCTTCAGGTAGGGGGTC-3'
Protein context (NP_000539.2, residues 427-447): ISYRAQSIHP[Ala437=]KDGWIQNLQA